The following is an entry in ClinVar:

NM_033380.3(COL4A5):c.3942+5G>A

Gene: COL4A5 (collagen type IV alpha 5 chain; plus strand). Cytogenetic location: Xq22.3.
Variant type: single nucleotide variant.
Coding change: c.3942+5G>A on transcript NM_033380.3 (MANE Select); 5 bases into the intron after coding-DNA position 3942, G replaced by A.
Molecular consequence: intron variant.
Genome position (GRCh38, 1-based): chrX:108,677,638, G>A. VCF-style: chrX-108677638-G-A. GRCh37 (hg19) VCF-style: chrX-107920868-G-A.
Other names: c.3924+5G>A (NM_000495.5).
Identifiers: ClinVar variation 3724338 (VCV003724338.3).

ClinVar aggregate classification (germline): Uncertain significance. Review status: criteria provided, multiple submitters, no conflicts (2 of 4 stars). 2 submissions from 2 submitters: Uncertain significance (2). Last evaluated 2025-12-07.

Conditions:
X-linked Alport syndrome (ATS1). Also called: COL4A5-Related Nephropathy; NEPHROPATHY AND DEAFNESS, X-LINKED. Identifiers: Orphanet 63, Orphanet 88917, MedGen C4746986, MONDO:0010520, OMIM 301050.

Submissions (2):

3billion
Classification: Uncertain significance for X-linked Alport syndrome. Last evaluated: 2025-12-07. Review status: criteria provided, single submitter. Criteria: ACMG Guidelines, 2015. Collection method: clinical testing. Allele origin: germline. Affected: yes.
Comment: The variant is not observed in the gnomAD v4.1.0 dataset. Predicted Consequence/Location: Intron variant: previously reported to alter splicing from an in vitro assay (PMID: 35020912). Alter splicing and produce of an abnormal transcript predicted by in silico programs is uncertain [SpliceAI: 0.13 (spliceogenicity >=0.2, non-spliceogenicity <0.1)]] Intron variant: previously reported to alter splicing from an in vitro assay (PMID: 35020912). Therefore, this variant is classified as VUS according to the recommendation of ACMG/AMP guideline.

Labcorp Genetics (formerly Invitae), Labcorp
Classification: Uncertain significance. Last evaluated: 2024-11-27. Review status: criteria provided, single submitter. Criteria: Invitae Variant Classification Sherloc (09022015). Collection method: clinical testing. Allele origin: germline.
Comment: This sequence change falls in intron 42 of the COL4A5 gene. It does not directly change the encoded amino acid sequence of the COL4A5 protein. It affects a nucleotide within the consensus splice site. This variant is not present in population databases (gnomAD no frequency). This variant has been observed in individual(s) with clinical features of Alport syndrome (PMID: 35020912; internal data). Variants that disrupt the consensus splice site are a relatively common cause of aberrant splicing (PMID: 17576681, 9536098). Studies have shown that this variant is associated with inconclusive levels of altered splicing (PMID: 35020912). In summary, the available evidence is currently insufficient to determine the role of this variant in disease. Therefore, it has been classified as a Variant of Uncertain Significance.

Literature cited by the submitters: PubMed 35020912 (cited by 3billion and Labcorp Genetics (formerly Invitae), Labcorp); PubMed 17576681 (cited by Labcorp Genetics (formerly Invitae), Labcorp); PubMed 9536098 (cited by Labcorp Genetics (formerly Invitae), Labcorp).